The following is an entry in ClinVar:

ClinVar aggregate classification (germline): Uncertain significance (1 of 4 stars; one submission).

Submission:

GeneDx
Classification: Uncertain significance. Last evaluated: 2024-06-17. Review status: criteria provided, single submitter. Criteria: GeneDx Variant Classification Process June 2021. Collection method: clinical testing. Allele origin: germline. Affected: yes.
Comment: Not observed at significant frequency in large population cohorts (gnomAD); Has not been previously published as pathogenic or benign to our knowledge; In silico analysis suggests this variant may impact gene splicing. In the absence of RNA/functional studies, the actual effect of this sequence change is unknown.

NM_001252102.2(KIF21B):c.2454+4A>G

Gene: KIF21B (kinesin family member 21B; minus strand). Cytogenetic location: 1q32.1.
Variant type: single nucleotide variant.
Coding change: c.2454+4A>G on transcript NM_001252102.2 (MANE Select); 4 bases into the intron after coding-DNA position 2454, A replaced by G.
Molecular consequence: intron variant.
Genome position (GRCh38, 1-based): chr1:200,991,653, T>C on the plus strand (A>G on the coding strand, the complement: KIF21B is on the minus strand). VCF-style: chr1-200991653-T-C. GRCh37 (hg19) VCF-style: chr1-200960781-T-C.
Other names: c.2454+4A>G (NM_001252103.2, NM_017596.4, NM_001252100.2).
Identifiers: ClinVar variation 3391632 (VCV003391632.1).